The following is an entry in ClinVar:

ClinVar aggregate classification (germline): Benign/Likely benign. Review status: criteria provided, multiple submitters, no conflicts (2 of 4 stars). 5 submissions from 5 submitters: Benign (1); Likely benign (4). Last evaluated 2025-07-25.

Conditions:
Tuberous sclerosis syndrome (TSC). Also called: Tuberous Sclerosis Complex; Tuberous sclerosis. Identifiers: Orphanet 805, MedGen C0041341, MONDO:0001734.
Hereditary cancer-predisposing syndrome. Also called: Hereditary Cancer Syndrome; Neoplastic Syndromes, Hereditary; Tumor predisposition; Hereditary neoplastic syndrome. Identifiers: Orphanet 140162, MedGen C0027672, MeSH D009386, MONDO:0015356.
Tuberous sclerosis 1 (TSC1). Identifiers: Orphanet 805, MedGen C1854465, MONDO:0008612, OMIM 191100.

gnomAD v4.1: 1 of 1,614,102 alleles (0.000062%); highest among the groups gnomAD compares: Non-Finnish European, 0.000085%; no homozygotes.

Submissions (5):

Color Diagnostics, LLC DBA Color Health
Classification: Likely benign for Tuberous sclerosis syndrome. Last evaluated: 2025-07-25. Review status: criteria provided, single submitter. Criteria: ACMG Guidelines, 2015. Collection method: clinical testing. Allele origin: germline.

Myriad Genetics, Inc.
Classification: Benign for Tuberous sclerosis 1. Last evaluated: 2025-04-30. Review status: criteria provided, single submitter. Criteria: Myriad Autosomal Dominant, Autosomal Recessive and X-Linked Classification Criteria (2023). Collection method: clinical testing. Allele origin: unknown.
Comment: This variant is considered benign. This variant is a silent/synonymous amino acid change and it is not expected to impact splicing.

Labcorp Genetics (formerly Invitae), Labcorp
Classification: Likely benign for Tuberous sclerosis 1. Last evaluated: 2022-06-29. Review status: criteria provided, single submitter. Criteria: Invitae Variant Classification Sherloc (09022015). Collection method: clinical testing. Allele origin: germline.

Blueprint Genetics
Classification: Likely benign. Last evaluated: 2020-02-11. Review status: criteria provided, single submitter. Criteria: ACMG Guidelines, 2015. Collection method: clinical testing. Allele origin: germline.

Ambry Genetics
Classification: Likely benign for Hereditary cancer-predisposing syndrome. Last evaluated: 2020-01-30. Review status: criteria provided, single submitter. Criteria: Ambry Variant Classification Scheme 2023. Collection method: clinical testing. Allele origin: germline.

NM_000368.5(TSC1):c.3276T>G (p.Ala1092=)

Gene: TSC1 (TSC complex subunit 1; minus strand). Cytogenetic location: 9q34.13.
Variant type: single nucleotide variant.
Coding change: c.3276T>G on transcript NM_000368.5 (MANE Select); coding-DNA position 3276, T replaced by G.
Protein change: p.Ala1092=; no amino-acid change (alanine 1092 retained).
Molecular consequence: synonymous variant.
Genome position (GRCh38, 1-based): chr9:132,896,454, A>C on the plus strand (T>G on the coding strand, the complement: TSC1 is on the minus strand). VCF-style: chr9-132896454-A-C. GRCh37 (hg19) VCF-style: chr9-135771841-A-C.
Other names: c.3273T>G, p.Ala1091= (NM_001162426.2); c.3123T>G, p.Ala1041= (NM_001162427.2); c.2913T>G, p.Ala971= (NM_001362177.2).
Identifiers: ClinVar variation 1111170 (VCV001111170.14), dbSNP rs2131597261, ClinGen allele CA467813268.